The following is an entry in ClinVar:

ClinVar aggregate classification (germline): Uncertain significance (1 of 4 stars; one submission).

gnomAD v4.1: 3 of 1,614,144 alleles (0.00019%); highest among the groups gnomAD compares: Non-Finnish European, 0.00025%; no homozygotes.

Submission:

Labcorp Genetics (formerly Invitae), Labcorp
Classification: Uncertain significance. Last evaluated: 2024-10-15. Review status: criteria provided, single submitter. Criteria: Invitae Variant Classification Sherloc (09022015). Collection method: clinical testing. Allele origin: germline.
Comment: This sequence change replaces alanine, which is neutral and non-polar, with serine, which is neutral and polar, at codon 962 of the KANK1 protein (p.Ala962Ser). This variant is not present in population databases (gnomAD no frequency). This variant has not been reported in the literature in individuals affected with KANK1-related conditions. ClinVar contains an entry for this variant (Variation ID: 1412871). Invitae Evidence Modeling of protein sequence and biophysical properties (such as structural, functional, and spatial information, amino acid conservation, physicochemical variation, residue mobility, and thermodynamic stability) indicates that this missense variant is not expected to disrupt KANK1 protein function with a negative predictive value of 80%. In summary, the available evidence is currently insufficient to determine the role of this variant in disease. Therefore, it has been classified as a Variant of Uncertain Significance.

NM_015158.5(KANK1):c.2884G>T (p.Ala962Ser)

Gene: KANK1 (KN motif and ankyrin repeat domains 1; plus strand). Cytogenetic location: 9p24.3.
Variant type: single nucleotide variant.
Coding change: c.2884G>T on transcript NM_015158.5 (MANE Select); coding-DNA position 2884, G replaced by T.
Protein change: p.Ala962Ser; replaces alanine 962 with serine.
Molecular consequence: missense variant. On other transcripts: non-coding transcript variant (1), intron variant (5).
Genome position (GRCh38, 1-based): chr9:730,236, G>T. VCF-style: chr9-730236-G-T. GRCh37 (hg19) VCF-style: chr9-730236-G-T.
Other names: c.2884G>T, p.Ala962Ser (NM_001256876.3, NM_001256877.3, NM_001354331.2 and 1 more transcripts); c.2410G>T, p.Ala804Ser (NM_001354333.2, NM_001354335.2, NM_001354337.2 and 5 more transcripts); c.2842+42G>T (NM_001354332.2); c.2368+42G>T (NM_001354336.2, NM_001354338.2, NM_001354340.2 and 1 more transcripts); short protein forms A804S, A962S.
Identifiers: ClinVar variation 1412871 (VCV001412871.6), dbSNP rs765606180, ClinGen allele CA372754393.
Genomic context (GRCh38, chr9:730,236, plus strand): 5'-GCCTTCCCCACTCAGGAAGGTACGCTGTCTCCAGTGAACCTGACAGACGACCAGATCGCC[G>T]CTGGCCTCTATGGTAACTTTTCTCACTCACAGTCATTGGCATCAGGATTCTAGGGCCAGC-3'
Protein context (NP_055973.2, residues 952-972): PVNLTDDQIA[Ala962Ser]GLYACTNNES